The following is an entry in ClinVar:

NM_000720.4(CACNA1D):c.1502C>T (p.Ala501Val)

Gene: CACNA1D (calcium voltage-gated channel subunit alpha1 D; plus strand). Cytogenetic location: 3p21.1.
Variant type: single nucleotide variant.
Coding change: c.1502C>T on transcript NM_000720.4 (MANE Plus Clinical); coding-DNA position 1502, C replaced by T.
Protein change: p.Ala501Val; replaces alanine 501 with valine.
Molecular consequence: missense variant. On other transcripts: intron variant (2).
Genome position (GRCh38, 1-based): chr3:53,718,705, C>T. VCF-style: chr3-53718705-C-T. GRCh37 (hg19) VCF-style: chr3-53752732-C-T.
Other names: c.1478+317C>T (NM_001128840.3, NM_001128839.3); c.1502C>T (NM_000720.3); short protein forms A501V.
Identifiers: ClinVar variation 667204 (VCV000667204.14), dbSNP rs748425556, ClinGen allele CA2453974.

ClinVar aggregate classification (germline): Uncertain significance. Review status: criteria provided, multiple submitters, no conflicts (2 of 4 stars). 5 submissions from 5 submitters: Uncertain significance (5). Last evaluated 2026-01-01.

Conditions:
CACNA1D-related disorder.

Allele frequency attached by ClinVar (database versions not stated): ExAC below 0.00001; TOPMed 0.00001; gnomAD exomes 0.00002; gnomAD 0.00003.
gnomAD v4.1: 32 of 1,559,078 alleles (0.0021%); highest among the groups gnomAD compares: Admixed American, 0.017%; no homozygotes.

Submissions (5):

Labcorp Genetics (formerly Invitae), Labcorp
Classification: Uncertain significance. Last evaluated: 2026-01-01. Review status: criteria provided, single submitter. Criteria: Invitae Variant Classification Sherloc (09022015). Collection method: clinical testing. Allele origin: germline.
Comment: This sequence change replaces alanine, which is neutral and non-polar, with valine, which is neutral and non-polar, at codon 501 of the CACNA1D protein (p.Ala501Val). The frequency data for this variant in the population databases is considered unreliable, as metrics indicate poor data quality at this position in the gnomAD database. This variant has not been reported in the literature in individuals affected with CACNA1D-related conditions. ClinVar contains an entry for this variant (Variation ID: 667204). An algorithm developed to predict the effect of missense changes on protein structure and function (PolyPhen-2) suggests that this variant is likely to be tolerated. In summary, the available evidence is currently insufficient to determine the role of this variant in disease. Therefore, it has been classified as a Variant of Uncertain Significance.

Women's Health and Genetics/Laboratory Corporation of America, LabCorp
Classification: Uncertain significance. Last evaluated: 2025-02-25. Review status: criteria provided, single submitter. Criteria: LabCorp Variant Classification Summary - May 2015. Collection method: clinical testing. Allele origin: germline.
Comment: Variant summary: CACNA1D c.1502C>T (p.Ala501Val) results in a non-conservative amino acid change in the encoded protein sequence. Four of five in-silico tools predict a benign effect of the variant on protein function. The variant allele was found at a frequency of 1.8e-05 in 167266 control chromosomes. The available data on variant occurrences in the general population are insufficient to allow any conclusion about variant significance. To our knowledge, no occurrence of c.1502C>T in individuals affected with Sinoatrial Node Dysfunction And Deafness and no experimental evidence demonstrating its impact on protein function have been reported. ClinVar contains an entry for this variant (Variation ID: 667204). Based on the evidence outlined above, the variant was classified as uncertain significance.

GeneDx
Classification: Uncertain significance. Last evaluated: 2025-02-24. Review status: criteria provided, single submitter. Criteria: GeneDx Variant Classification Process June 2021. Collection method: clinical testing. Allele origin: germline. Affected: yes.
Comment: In silico analysis indicates that this missense variant does not alter protein structure/function; Has not been previously published as pathogenic or benign to our knowledge

PreventionGenetics, part of Exact Sciences
Classification: Uncertain significance for CACNA1D-related condition. Last evaluated: 2022-11-17. Review status: criteria provided, single submitter. Criteria: ACMG Guidelines, 2015. Collection method: clinical testing. Allele origin: germline.
Comment: The CACNA1D c.1502C>T variant is predicted to result in the amino acid substitution p.Ala501Val. To our knowledge, this variant has not been reported in the literature. This variant is reported in 0.0077% of alleles in individuals of Latino descent in gnomAD. At this time, the clinical significance of this variant is uncertain due to the absence of conclusive functional and genetic evidence.

Laboratory for Molecular Medicine, Mass General Brigham Personalized Medicine
Classification: Uncertain significance. Last evaluated: 2019-03-12. Review status: criteria provided, single submitter. Criteria: LMM Criteria. Collection method: clinical testing. Allele origin: germline. Observed: 1 variant allele.
Comment: The p.Ala501Val variant in CACNA1D has not been previously reported in individuals with hearing loss, but has been identified in 0.008% (2/25846) of Latino chromosomes by gnomAD. Computational prediction tools and conservation analysis suggest that this variant may not impact the protein, though this information is not predictive enough to rule out pathogenicity. In summary, the clinical significance of the p.Ala501Val variant is uncertain. ACMG/AMP Criteria applied: PM2_Supporting, BP4.